The following is an entry in ClinVar:

ClinVar aggregate classification (germline): Uncertain significance (1 of 4 stars; one submission).

Submission:

Labcorp Genetics (formerly Invitae), Labcorp
Classification: Uncertain significance. Last evaluated: 2024-08-12. Review status: criteria provided, single submitter. Criteria: Invitae Variant Classification Sherloc (09022015). Collection method: clinical testing. Allele origin: germline.
Comment: This sequence change replaces isoleucine, which is neutral and non-polar, with threonine, which is neutral and polar, at codon 412 of the ALPK1 protein (p.Ile412Thr). This variant is not present in population databases (gnomAD no frequency). This variant has not been reported in the literature in individuals affected with ALPK1-related conditions. Advanced modeling of protein sequence and biophysical properties (such as structural, functional, and spatial information, amino acid conservation, physicochemical variation, residue mobility, and thermodynamic stability) has been performed at Invitae for this missense variant, however the output from this modeling did not meet the statistical confidence thresholds required to predict the impact of this variant on ALPK1 protein function. In summary, the available evidence is currently insufficient to determine the role of this variant in disease. Therefore, it has been classified as a Variant of Uncertain Significance.

NM_025144.4(ALPK1):c.1235T>C (p.Ile412Thr)

Gene: ALPK1 (alpha kinase 1; plus strand). Cytogenetic location: 4q25.
Variant type: single nucleotide variant.
Coding change: c.1235T>C on transcript NM_025144.4 (MANE Select); coding-DNA position 1235, T replaced by C.
Protein change: p.Ile412Thr; replaces isoleucine 412 with threonine.
Molecular consequence: missense variant.
Genome position (GRCh38, 1-based): chr4:112,430,782, T>C. VCF-style: chr4-112430782-T-C. GRCh37 (hg19) VCF-style: chr4-113351938-T-C.
Other names: c.1235T>C, p.Ile412Thr (NM_001102406.2); c.1001T>C, p.Ile334Thr (NM_001253884.2); short protein forms I412T, I334T.
Identifiers: ClinVar variation 2750514 (VCV002750514.3), dbSNP rs2476502981, ClinGen allele CA357894190.